The following is an entry in ClinVar:

NM_001698.3(AUH):c.991A>T (p.Lys331Ter)

Gene: AUH (AU RNA binding methylglutaconyl-CoA hydratase; minus strand). Cytogenetic location: 9q22.31.
Variant type: single nucleotide variant.
Coding change: c.991A>T on transcript NM_001698.3 (MANE Select); coding-DNA position 991, A replaced by T.
Protein change: p.Lys331Ter; replaces lysine 331 with a stop codon.
Molecular consequence: nonsense.
Genome position (GRCh38, 1-based): chr9:91,214,377, T>A on the plus strand (A>T on the coding strand, the complement: AUH is on the minus strand). VCF-style: chr9-91214377-T-A. GRCh37 (hg19) VCF-style: chr9-93976659-T-A.
Other names: c.904A>T, p.Lys302Ter (NM_001306190.2); c.664A>T, p.Lys222Ter (NM_001351431.2, NM_001351432.2); c.616A>T, p.Lys206Ter (NM_001351433.2); short protein forms K331*, K206*, K302*, K222*.
Identifiers: ClinVar variation 30081 (VCV000030081.12), dbSNP rs387906757, ClinGen allele CA128919.

ClinVar aggregate classification (germline): Uncertain significance. Review status: criteria provided, multiple submitters, no conflicts (2 of 4 stars). 3 submissions from 3 submitters: Uncertain significance (2). 1 of the submissions does not count toward it. Last evaluated 2025-09-04.

Conditions:
3-methylglutaconic aciduria type 1 (MGCA1). Identifiers: Orphanet 67046, MedGen C0342727, MONDO:0009610, OMIM 250950.

Allele frequency attached by ClinVar (database versions not stated): gnomAD exomes 0.00002; TOPMed 0.00002; ExAC 0.00003; gnomAD 0.00005.
gnomAD v4.1: 34 of 1,610,532 alleles (0.0021%); highest among the groups gnomAD compares: Non-Finnish European, 0.0027%; no homozygotes.

Submissions (3):

Women's Health and Genetics/Laboratory Corporation of America, LabCorp
Classification: Uncertain significance. Last evaluated: 2025-09-04. Review status: criteria provided, single submitter. Criteria: LabCorp Variant Classification Summary - May 2015. Collection method: clinical testing. Allele origin: germline.
Comment: Variant summary: AUH c.991A>T (p.Lys331X) results in a premature termination codon, predicted to cause a truncation of the encoded protein, however, nonsense mediated decay is not expected to occur. The variant allele was found at a frequency of 2e-05 in 246098 control chromosomes. c.991A>T has been observed in at least one homozygous individual affected with 3-Methylglutaconic Aciduria Type 1 (e.g. Wortmann_2010). These data indicate that the variant may be associated with disease. To our knowledge, no experimental evidence demonstrating an impact on protein function has been reported. The following publication has been ascertained in the context of this evaluation (PMID: 20855850). ClinVar contains an entry for this variant (Variation ID: 30081). Based on the evidence outlined above, the variant was classified as VUS-possibly pathogenic.

Labcorp Genetics (formerly Invitae), Labcorp
Classification: Uncertain significance for 3-methylglutaconic aciduria type 1. Last evaluated: 2024-09-30. Review status: criteria provided, single submitter. Criteria: Invitae Variant Classification Sherloc (09022015). Collection method: clinical testing. Allele origin: germline.
Comment: This sequence change creates a premature translational stop signal (p.Lys331*) in the AUH gene. While this is not anticipated to result in nonsense mediated decay, it is expected to disrupt the last 9 amino acid(s) of the AUH protein. This variant is present in population databases (rs387906757, gnomAD 0.009%). This premature translational stop signal has been observed in individual(s) with 3-methylglutaconic aciduria type I (PMID: 20855850). ClinVar contains an entry for this variant (Variation ID: 30081). Experimental studies and prediction algorithms are not available or were not evaluated, and the functional significance of this variant is currently unknown. In summary, the available evidence is currently insufficient to determine the role of this variant in disease. Therefore, it has been classified as a Variant of Uncertain Significance.

OMIM
Classification: Pathogenic for 3-METHYLGLUTACONIC ACIDURIA, TYPE I. Last evaluated: 2010-09-21. Review status: no assertion criteria provided. Collection method: literature only. Allele origin: germline. Not counted in ClinVar's aggregate classification.

Literature cited by the submitters: PubMed 20855850 (cited by 3 submitters).